The following is an entry in ClinVar:

ClinVar aggregate classification (germline): Uncertain significance. Review status: criteria provided, multiple submitters, no conflicts (2 of 4 stars). 2 submissions from 2 submitters: Uncertain significance (2). Last evaluated 2024-07-17.

Conditions:
Inborn genetic diseases. Identifiers: MedGen C0950123, MeSH D030342.

Allele frequency attached by ClinVar (database versions not stated): gnomAD exomes below 0.00001.
gnomAD v4.1: 1 of 1,613,970 alleles (0.000062%); highest among the groups gnomAD compares: Non-Finnish European, 0.000085%; no homozygotes.

Submissions (2):

Labcorp Genetics (formerly Invitae), Labcorp
Classification: Uncertain significance. Last evaluated: 2024-07-17. Review status: criteria provided, single submitter. Criteria: Invitae Variant Classification Sherloc (09022015). Collection method: clinical testing. Allele origin: germline.
Comment: This sequence change replaces leucine, which is neutral and non-polar, with proline, which is neutral and non-polar, at codon 1067 of the ATR protein (p.Leu1067Pro). This variant is not present in population databases (gnomAD no frequency). This variant has not been reported in the literature in individuals affected with ATR-related conditions. ClinVar contains an entry for this variant (Variation ID: 2447390). An algorithm developed to predict the effect of missense changes on protein structure and function (PolyPhen-2) suggests that this variant is likely to be disruptive. In summary, the available evidence is currently insufficient to determine the role of this variant in disease. Therefore, it has been classified as a Variant of Uncertain Significance.

Ambry Genetics
Classification: Uncertain significance for Inborn genetic diseases. Last evaluated: 2022-11-16. Review status: criteria provided, single submitter. Criteria: Ambry Variant Classification Scheme 2023. Collection method: clinical testing. Allele origin: germline.
Comment: The p.L1067P variant (also known as c.3200T>C), located in coding exon 16 of the ATR gene, results from a T to C substitution at nucleotide position 3200. The leucine at codon 1067 is replaced by proline, an amino acid with similar properties. This amino acid position is conserved. In addition, this alteration is predicted to be deleterious by in silico analysis. Since supporting evidence is limited at this time, the clinical significance of this alteration remains unclear.

NM_001184.4(ATR):c.3200T>C (p.Leu1067Pro)

Gene: ATR (ATR checkpoint kinase; minus strand). Cytogenetic location: 3q23.
Variant type: single nucleotide variant.
Coding change: c.3200T>C on transcript NM_001184.4 (MANE Select); coding-DNA position 3200, T replaced by C.
Protein change: p.Leu1067Pro; replaces leucine 1067 with proline.
Molecular consequence: missense variant.
Genome position (GRCh38, 1-based): chr3:142,547,882, A>G on the plus strand (T>C on the coding strand, the complement: ATR is on the minus strand). VCF-style: chr3-142547882-A-G. GRCh37 (hg19) VCF-style: chr3-142266724-A-G.
Other names: c.3008T>C, p.Leu1003Pro (NM_001354579.2); short protein forms L1003P, L1067P.
Identifiers: ClinVar variation 2447390 (VCV002447390.4), dbSNP rs2108451766, ClinGen allele CA354810933.